The following is an entry in ClinVar:

ClinVar aggregate classification (germline): Likely benign (1 of 4 stars; one submission).

Conditions:
PLXNA1-related disorder. Also called: PLXNA1-related condition.

Submission:

PreventionGenetics, part of Exact Sciences
Classification: Likely benign for PLXNA1-related condition. Last evaluated: 2026-02-13. Review status: criteria provided, single submitter. Criteria: ACMG Guidelines, 2015. Collection method: clinical testing. Allele origin: germline.
Comment: This variant is classified as likely benign based on ACMG/AMP sequence variant interpretation guidelines (Richards et al. 2015 PMID: 25741868, with internal and published modifications).

NM_032242.4(PLXNA1):c.5445-4G>C

Gene: PLXNA1 (plexin A1; plus strand). Cytogenetic location: 3q21.3.
Variant type: single nucleotide variant.
Coding change: c.5445-4G>C on transcript NM_032242.4 (MANE Select); 4 bases into the intron before coding-DNA position 5445, G replaced by C.
Molecular consequence: intron variant.
Genome position (GRCh38, 1-based): chr3:127,032,682, G>C. VCF-style: chr3-127032682-G-C. GRCh37 (hg19) VCF-style: chr3-126751525-G-C.
Identifiers: ClinVar variation 4984014 (VCV004984014.1).
Genomic context (GRCh38, chr3:127,032,682, plus strand): 5'-GGGGGCAGGGGCCCGGGGGCAGCCTGGACTCTGCTCATGTGCCCACCTGGCCACTCACCT[G>C]CAGGTACTATGCAGACATCGCCAAGATGCCAGCCATCAGCGACCAGGACATGAGTGCGTA-3'